The following is an entry in ClinVar:

ClinVar aggregate classification (germline): Uncertain significance. Review status: criteria provided, multiple submitters, no conflicts (2 of 4 stars). 2 submissions from 2 submitters: Uncertain significance (2). Last evaluated 2025-12-10.

Conditions:
Inborn genetic diseases. Identifiers: MedGen C0950123, MeSH D030342.
Familial hemophagocytic lymphohistiocytosis 4 (FHL4). Also called: STX11-Related Familial Hemophagocytic Lymphohistiocytosis (STX11-fHLH). Identifiers: Orphanet 540, MedGen C1863728, MONDO:0011336, OMIM 603552.

Allele frequency attached by ClinVar (database versions not stated): ExAC 0.00001; gnomAD exomes 0.00001; TOPMed 0.00001.
gnomAD v4.1: 3 of 1,614,210 alleles (0.00019%); highest among the groups gnomAD compares: Middle Eastern, 0.016%; no homozygotes.

Submissions (2):

Labcorp Genetics (formerly Invitae), Labcorp
Classification: Uncertain significance for Familial hemophagocytic lymphohistiocytosis 4. Last evaluated: 2025-12-10. Review status: criteria provided, single submitter. Criteria: Invitae Variant Classification Sherloc (09022015). Collection method: clinical testing. Allele origin: germline.
Comment: This sequence change replaces aspartic acid, which is acidic and polar, with asparagine, which is neutral and polar, at codon 23 of the STX11 protein (p.Asp23Asn). This variant is present in population databases (rs766958562, gnomAD 0.006%). This variant has not been reported in the literature in individuals affected with STX11-related conditions. ClinVar contains an entry for this variant (Variation ID: 965427). An algorithm developed to predict the effect of missense changes on protein structure and function outputs the following: PolyPhen-2: "Benign". The asparagine amino acid residue is found in multiple mammalian species, which suggests that this missense change does not adversely affect protein function. In summary, the available evidence is currently insufficient to determine the role of this variant in disease. Therefore, it has been classified as a Variant of Uncertain Significance.

Ambry Genetics
Classification: Uncertain significance for Inborn genetic diseases. Last evaluated: 2024-11-27. Review status: criteria provided, single submitter. Criteria: Ambry Variant Classification Scheme 2023. Collection method: clinical testing. Allele origin: germline.

NM_003764.4(STX11):c.67G>A (p.Asp23Asn)

Gene: STX11 (syntaxin 11; plus strand). Cytogenetic location: 6q24.2.
Variant type: single nucleotide variant.
Coding change: c.67G>A on transcript NM_003764.4 (MANE Select); coding-DNA position 67, G replaced by A.
Protein change: p.Asp23Asn; replaces aspartic acid 23 with asparagine.
Molecular consequence: missense variant.
Genome position (GRCh38, 1-based): chr6:144,186,694, G>A. VCF-style: chr6-144186694-G-A. GRCh37 (hg19) VCF-style: chr6-144507831-G-A.
Other names: short protein forms D23N.
Identifiers: ClinVar variation 965427 (VCV000965427.9), dbSNP rs766958562, ClinGen allele CA4031608.